The following is an entry in ClinVar:

ClinVar aggregate classification (germline): Uncertain significance (1 of 4 stars; one submission).

Conditions:
Inborn genetic diseases. Identifiers: MedGen C0950123, MeSH D030342.

Submission:

Ambry Genetics
Classification: Uncertain significance for Inborn genetic diseases. Last evaluated: 2025-05-19. Review status: criteria provided, single submitter. Criteria: Ambry Variant Classification Scheme 2023. Collection method: clinical testing. Allele origin: germline.
Comment: The p.M224L variant (also known as c.670A>T), located in coding exon 6 of the PAX5 gene, results from an A to T substitution at nucleotide position 670. The methionine at codon 224 is replaced by leucine, an amino acid with highly similar properties. This amino acid position is conserved. In addition, the in silico prediction for this alteration is inconclusive. Based on the available evidence, the clinical significance of this variant remains unclear.

NM_016734.3(PAX5):c.670A>T (p.Met224Leu)

Gene: PAX5 (paired box 5; minus strand). Cytogenetic location: 9p13.2.
Variant type: single nucleotide variant.
Coding change: c.670A>T on transcript NM_016734.3 (MANE Select); coding-DNA position 670, A replaced by T.
Protein change: p.Met224Leu; replaces methionine 224 with leucine.
Molecular consequence: missense variant. On other transcripts: non-coding transcript variant (2).
Genome position (GRCh38, 1-based): chr9:36,966,659, T>A on the plus strand (A>T on the coding strand, the complement: PAX5 is on the minus strand). VCF-style: chr9-36966659-T-A. GRCh37 (hg19) VCF-style: chr9-36966656-T-A.
Other names: c.670A>T, p.Met224Leu (NM_001280547.2, NM_001280548.2, NM_001280549.2 and 2 more transcripts); c.346A>T, p.Met116Leu (NM_001280551.2, NM_001280556.2); c.541A>T, p.Met181Leu (NM_001280553.2, NM_001280554.2); c.472A>T, p.Met158Leu (NM_001280555.2); short protein forms M158L, M181L, M224L, M116L.
Identifiers: ClinVar variation 3928332 (VCV003928332.1).